The following is an entry in ClinVar:

NM_006379.5(SEMA3C):c.2216G>A (p.Arg739Gln)

Gene: SEMA3C (semaphorin 3C; minus strand). Cytogenetic location: 7q21.11.
Variant type: single nucleotide variant.
Coding change: c.2216G>A on transcript NM_006379.5 (MANE Select); coding-DNA position 2216, G replaced by A.
Protein change: p.Arg739Gln; replaces arginine 739 with glutamine.
Molecular consequence: missense variant.
Genome position (GRCh38, 1-based): chr7:80,744,934, C>T on the plus strand (G>A on the coding strand, the complement: SEMA3C is on the minus strand). VCF-style: chr7-80744934-C-T. GRCh37 (hg19) VCF-style: chr7-80374250-C-T.
Other names: c.2270G>A, p.Arg757Gln (NM_001350120.2); c.2042G>A, p.Arg681Gln (NM_001350121.2); short protein forms R681Q, R739Q, R757Q.
Identifiers: ClinVar variation 2634557 (VCV002634557.2), dbSNP rs552613702, ClinGen allele CA4315892.

ClinVar aggregate classification (germline): Uncertain significance (0 of 4 stars; one submission).

Conditions:
SEMA3C-related disorder. Also called: SEMA3C-related condition.

Allele frequency attached by ClinVar (database versions not stated): gnomAD 0.00005; TOPMed 0.00006; ExAC 0.00010; 1000 Genomes Project 30x 0.00016; 1000 Genomes Project 0.00020.
gnomAD v4.1: 83 of 1,614,002 alleles (0.0051%); highest among the groups gnomAD compares: South Asian, 0.032%; no homozygotes.

Submission:

PreventionGenetics, part of Exact Sciences
Classification: Uncertain significance for SEMA3C-related condition. Last evaluated: 2024-04-10. Review status: no assertion criteria provided. Collection method: clinical testing. Allele origin: germline.
Comment: The SEMA3C c.2270G>A variant is predicted to result in the amino acid substitution p.Arg757Gln. This variant can also be referred to as c.2216G>A, p.Arg739Gln with the transcript (NM_006379). This variant was reported in one individual presenting with obesity, hypothyroidism, Asperger’s syndrome, and severe constipation (reported as R739Q, Table1, van der Klaauw. 2019. PubMed ID: 30661757). Functional studies suggest that this variant led to reduced cellular collapse (Figure 1, van der Klaauw. 2019. PubMed ID: 30661757).  This variant is reported in 0.036% of alleles in individuals of South Asian descent in gnomAD. At this time, the clinical significance of this variant is uncertain due to the absence of conclusive functional and genetic evidence.